The following is an entry in ClinVar:

ClinVar aggregate classification (germline): Uncertain significance (1 of 4 stars; one submission).

Conditions:
Long QT syndrome (LQTS). Identifiers: MedGen C0023976, MeSH D008133, MONDO:0002442. Disease mechanism: loss of function. Inheritance: Various modes of inheritance.

Submission:

Labcorp Genetics (formerly Invitae), Labcorp
Classification: Uncertain significance for Long QT syndrome. Last evaluated: 2022-06-26. Review status: criteria provided, single submitter. Criteria: Invitae Variant Classification Sherloc (09022015). Collection method: clinical testing. Allele origin: germline.
Comment: Experimental studies and prediction algorithms are not available or were not evaluated, and the functional significance of this variant is currently unknown. In summary, the available evidence is currently insufficient to determine the role of this variant in disease. Therefore, it has been classified as a Variant of Uncertain Significance. This variant has not been reported in the literature in individuals affected with KCNH2-related conditions. This variant, c.2665_2691del, results in the deletion of 9 amino acid(s) of the KCNH2 protein (p.Leu889_Lys897del), but otherwise preserves the integrity of the reading frame. This variant is not present in population databases (gnomAD no frequency).

NM_000238.4(KCNH2):c.2665_2691del (p.Leu889_Lys897del)

Gene: KCNH2 (potassium voltage-gated channel subfamily H member 2; minus strand). Cytogenetic location: 7q36.1.
Variant type: Deletion.
Coding change: c.2665_2691del on transcript NM_000238.4 (MANE Select); coding-DNA positions 2665 to 2691, 27 bases deleted (TTGTCCTTCCGCAGGCGCACGGACAAG).
Protein change: p.Leu889_Lys897del.
Molecular consequence: inframe deletion. On other transcripts: inframe indel (1).
Genome position (GRCh38, 1-based): chr7:150,948,445-150,948,471, CTTGTCCGTGCGCCTGCGGAAGGACAA deleted on the plus strand (TTGTCCTTCCGCAGGCGCACGGACAAG on the coding strand, the reverse complement: KCNH2 is on the minus strand); deleting any 27 consecutive bases within chr7:150,948,445-150,948,475 gives the same sequence; the c. name uses the placement nearest the transcript's 3' end. VCF-style (leftmost placement, unchanged base first): chr7-150948444-CCTTGTCCGTGCGCCTGCGGAAGGACAA-C. GRCh37 (hg19) VCF-style: chr7-150645532-CCTTGTCCGTGCGCCTGCGGAAGGACAA-C.
Other names: c.2373_2399del27, p.Leu793_Lys801del (NM_001406753.1); c.1645_1671del, p.Leu549_Lys557del (NM_172057.3).
Identifiers: ClinVar variation 2098521 (VCV002098521.4), dbSNP rs2486011766, ClinGen allele CA2580077776.
Genomic context (GRCh38, chr7:150,948,444, plus strand): 5'-TTCCAGCTCCCAGCCTCACCTTGTCCCCGCCCTCCCCCTTCCTCCCCTCCCCCGCCTCAC[CCTTGTCCGTGCGCCTGCGGAAGGACAA>C]CTTGCGCTTGCGTTGCCGACTGAAGCCACCCTCTAACTCCGTACTGCCGGGGGAGCCCGG-3'